The following is an entry in ClinVar:

ClinVar aggregate classification (germline): Likely pathogenic (1 of 4 stars; one submission).

Conditions:
Ehlers-Danlos syndrome, classic type, 1 (EDSCL1). Also called: EHLERS-DANLOS SYNDROME, GRAVIS TYPE; EHLERS-DANLOS SYNDROME, SEVERE CLASSIC TYPE; Ehlers-Danlos syndrome, type 1; Ehlers-Danlos Syndrome, Classic Type, COL5A1-Related; EDS I. Identifiers: MedGen C0268335, MONDO:0019567, OMIM 130000.

Submission:

Labcorp Genetics (formerly Invitae), Labcorp
Classification: Likely pathogenic for Ehlers-Danlos syndrome, classic type, 1. Last evaluated: 2024-02-11. Review status: criteria provided, single submitter. Criteria: Invitae Variant Classification Sherloc (09022015). Collection method: clinical testing. Allele origin: germline.
Comment: This sequence change affects an acceptor splice site in intron 40 of the COL5A1 gene. It is expected to disrupt RNA splicing. Variants that disrupt the donor or acceptor splice site typically lead to a loss of protein function (PMID: 16199547), and loss-of-function variants in COL5A1 are known to be pathogenic (PMID: 23587214). This variant is not present in population databases (gnomAD no frequency). Disruption of this splice site has been observed in individual(s) with Ehlers-Danlos syndrome (PMID: 21541907). Algorithms developed to predict the effect of sequence changes on RNA splicing suggest that this variant may disrupt the consensus splice site. In summary, the currently available evidence indicates that the variant is pathogenic, but additional data are needed to prove that conclusively. Therefore, this variant has been classified as Likely Pathogenic.

Literature cited by the submitters: PubMed 16199547; PubMed 23587214; PubMed 21541907.

NM_000093.5(COL5A1):c.3205-1G>A

Gene: COL5A1 (collagen type V alpha 1 chain; plus strand). Cytogenetic location: 9q34.3.
Variant type: single nucleotide variant.
Coding change: c.3205-1G>A on transcript NM_000093.5 (MANE Select); the canonical splice acceptor site of the intron before coding-DNA position 3205, G replaced by A.
Molecular consequence: splice acceptor variant.
Genome position (GRCh38, 1-based): chr9:134,805,160, G>A. VCF-style: chr9-134805160-G-A. GRCh37 (hg19) VCF-style: chr9-137697006-G-A.
Other names: c.3205-1G>A (NM_001278074.1).
Identifiers: ClinVar variation 3640234 (VCV003640234.2).